The following is an entry in ClinVar:

NM_004385.5(VCAN):c.5903A>G (p.Gln1968Arg)

Genes: VCAN (versican; plus strand), VCAN-AS1 (VCAN antisense RNA 1; minus strand). Cytogenetic location: 5q14.3.
Variant type: single nucleotide variant.
Coding change: c.5903A>G on transcript NM_004385.5 (MANE Select); coding-DNA position 5903, A replaced by G.
Protein change: p.Gln1968Arg; replaces glutamine 1968 with arginine.
Molecular consequence: missense variant. On other transcripts: intron variant (2).
Genome position (GRCh38, 1-based): chr5:83,538,906, A>G. VCF-style: chr5-83538906-A-G. GRCh37 (hg19) VCF-style: chr5-82834725-A-G.
Other names: c.2942A>G, p.Gln981Arg (NM_001164097.2); c.4004-6631A>G (NM_001164098.2); c.1043-6631A>G (NM_001126336.3); short protein forms Q981R, Q1968R.
Identifiers: ClinVar variation 1370115 (VCV001370115.5), dbSNP rs2112443511, ClinGen allele CA360311408.

ClinVar aggregate classification (germline): Uncertain significance (1 of 4 stars; one submission).

Allele frequency attached by ClinVar (database versions not stated): gnomAD exomes below 0.00001.
gnomAD v4.1: 3 of 1,614,006 alleles (0.00019%); highest among the groups gnomAD compares: Non-Finnish European, 0.00025%; no homozygotes.

Submission:

Labcorp Genetics (formerly Invitae), Labcorp
Classification: Uncertain significance. Last evaluated: 2022-02-09. Review status: criteria provided, single submitter. Criteria: Invitae Variant Classification Sherloc (09022015). Collection method: clinical testing. Allele origin: germline.
Comment: This sequence change replaces glutamine, which is neutral and polar, with arginine, which is basic and polar, at codon 1968 of the VCAN protein (p.Gln1968Arg). This variant is not present in population databases (gnomAD no frequency). This variant has not been reported in the literature in individuals affected with VCAN-related conditions. Algorithms developed to predict the effect of missense changes on protein structure and function (SIFT, PolyPhen-2, Align-GVGD) all suggest that this variant is likely to be tolerated. In summary, the available evidence is currently insufficient to determine the role of this variant in disease. Therefore, it has been classified as a Variant of Uncertain Significance.